The following is an entry in ClinVar:

NM_003680.4(YARS1):c.295A>T (p.Asn99Tyr)

Gene: YARS1 (tyrosyl-tRNA synthetase 1; minus strand). Cytogenetic location: 1p35.1.
Variant type: single nucleotide variant.
Coding change: c.295A>T on transcript NM_003680.4 (MANE Select); coding-DNA position 295, A replaced by T.
Protein change: p.Asn99Tyr; replaces asparagine 99 with tyrosine.
Molecular consequence: missense variant.
Genome position (GRCh38, 1-based): chr1:32,810,676, T>A on the plus strand (A>T on the coding strand, the complement: YARS1 is on the minus strand). VCF-style: chr1-32810676-T-A. GRCh37 (hg19) VCF-style: chr1-33276277-T-A.
Other names: short protein forms N99Y.
Identifiers: ClinVar variation 3663815 (VCV003663815.2).

ClinVar aggregate classification (germline): Uncertain significance (1 of 4 stars; one submission).

Conditions:
Charcot-Marie-Tooth disease dominant intermediate C (CMTDIC). Also called: CHARCOT-MARIE-TOOTH NEUROPATHY, DOMINANT INTERMEDIATE C. Identifiers: Orphanet 100045, MedGen C1842237, MONDO:0012012, OMIM 608323.

Submission:

Labcorp Genetics (formerly Invitae), Labcorp
Classification: Uncertain significance for Charcot-Marie-Tooth disease dominant intermediate C. Last evaluated: 2024-08-28. Review status: criteria provided, single submitter. Criteria: Invitae Variant Classification Sherloc (09022015). Collection method: clinical testing. Allele origin: germline.
Comment: This sequence change replaces asparagine, which is neutral and polar, with tyrosine, which is neutral and polar, at codon 99 of the YARS protein (p.Asn99Tyr). This variant is not present in population databases (gnomAD no frequency). This variant has not been reported in the literature in individuals affected with YARS-related conditions. Invitae Evidence Modeling of protein sequence and biophysical properties (such as structural, functional, and spatial information, amino acid conservation, physicochemical variation, residue mobility, and thermodynamic stability) indicates that this missense variant is not expected to disrupt YARS protein function with a negative predictive value of 80%. In summary, the available evidence is currently insufficient to determine the role of this variant in disease. Therefore, it has been classified as a Variant of Uncertain Significance.